The following is an entry in ClinVar:

NM_002047.4(GARS1):c.2034C>G (p.Asn678Lys)

Gene: GARS1 (glycyl-tRNA synthetase 1; plus strand). Cytogenetic location: 7p14.3.
Variant type: single nucleotide variant.
Coding change: c.2034C>G on transcript NM_002047.4 (MANE Select); coding-DNA position 2034, C replaced by G.
Protein change: p.Asn678Lys; replaces asparagine 678 with lysine.
Molecular consequence: missense variant.
Genome position (GRCh38, 1-based): chr7:30,632,377, C>G. VCF-style: chr7-30632377-C-G. GRCh37 (hg19) VCF-style: chr7-30671993-C-G.
Other names: c.1872C>G, p.Asn624Lys (NM_001316772.1); short protein forms N624K, N678K.
Identifiers: ClinVar variation 3781176 (VCV003781176.1).

ClinVar aggregate classification (germline): Uncertain significance (1 of 4 stars; one submission).

gnomAD v4.1: 1 of 1,614,130 alleles (0.000062%); highest among the groups gnomAD compares: Non-Finnish European, 0.000085%; no homozygotes.

Submission:

GeneDx
Classification: Uncertain significance. Last evaluated: 2024-10-19. Review status: criteria provided, single submitter. Criteria: GeneDx Variant Classification Process June 2021. Collection method: clinical testing. Allele origin: germline. Affected: yes.
Comment: Not observed at significant frequency in large population cohorts (gnomAD); In silico analysis indicates that this missense variant does not alter protein structure/function; Has not been previously published as pathogenic or benign to our knowledge